The following is an entry in ClinVar:

NM_002715.4(PPP2CA):c.46C>T (p.Gln16Ter)

Genes: MIR3661 (microRNA 3661; plus strand), PPP2CA (protein phosphatase 2 catalytic subunit alpha; minus strand). Cytogenetic location: 5q31.1.
Variant type: single nucleotide variant.
Coding change: c.46C>T on transcript NM_002715.4 (MANE Select); coding-DNA position 46, C replaced by T.
Protein change: p.Gln16Ter; replaces glutamine 16 with a stop codon.
Molecular consequence: nonsense. On other transcripts: non-coding transcript variant (1).
Genome position (GRCh38, 1-based): chr5:134,225,816, G>A on the plus strand (C>T on the coding strand, the complement: PPP2CA is on the minus strand). VCF-style: chr5-134225816-G-A. GRCh37 (hg19) VCF-style: chr5-133561507-G-A.
Other names: short protein forms Q16*.
Identifiers: ClinVar variation 3383019 (VCV003383019.3).

ClinVar aggregate classification (germline): Pathogenic/Likely pathogenic. Review status: criteria provided, multiple submitters, no conflicts (2 of 4 stars). 2 submissions from 2 submitters: Pathogenic (1); Likely pathogenic (1). Last evaluated 2025-04-08.

Conditions:
Houge-Janssens syndrome 3. Also called: NEURODEVELOPMENTAL DISORDER AND LANGUAGE DELAY WITH OR WITHOUT STRUCTURAL BRAIN ABNORMALITIES. Identifiers: MedGen C5193048, MONDO:0032697, OMIM 618354.

Submissions (2):

Labcorp Genetics (formerly Invitae), Labcorp
Classification: Pathogenic. Last evaluated: 2025-04-08. Review status: criteria provided, single submitter. Criteria: Invitae Variant Classification Sherloc (09022015). Collection method: clinical testing. Allele origin: germline.
Comment: This sequence change creates a premature translational stop signal (p.Gln16*) in the PPP2CA gene. It is expected to result in an absent or disrupted protein product. Loss-of-function variants in PPP2CA are known to be pathogenic (PMID: 30595372). This variant is not present in population databases (gnomAD no frequency). This variant has not been reported in the literature in individuals affected with PPP2CA-related conditions. ClinVar contains an entry for this variant (Variation ID: 3383019). For these reasons, this variant has been classified as Pathogenic.

Juno Genomics, Hangzhou Juno Genomics, Inc
Classification: Likely pathogenic for Houge-Janssens syndrome 3. Review status: criteria provided, single submitter. Criteria: ACMG Guidelines, 2015. Collection method: clinical testing. Allele origin: germline. Affected: yes.
Comment: Null variant in a gene where loss of function (LOF) is a known mechanism of disease.;Absent from controls (or at extremely low frequency if recessive) in Genome Aggregation Database, Exome Sequencing Project, 1000 Genomes Project, or Exome Aggregation Consortium.

Literature cited by the submitters: PubMed 30595372 (cited by Labcorp Genetics (formerly Invitae), Labcorp).